The following is an entry in ClinVar:

NM_022089.4(ATP13A2):c.*187C>T

Gene: ATP13A2 (ATPase cation transporting 13A2; minus strand). Cytogenetic location: 1p36.13.
Variant type: single nucleotide variant.
Coding change: c.*187C>T on transcript NM_022089.4 (MANE Select); 187 bases downstream of the stop codon, C replaced by T.
Molecular consequence: 3 prime UTR variant. On other transcripts: missense variant (1).
Genome position (GRCh38, 1-based): chr1:16,986,034, G>A on the plus strand (C>T on the coding strand, the complement: ATP13A2 is on the minus strand). VCF-style: chr1-16986034-G-A. GRCh37 (hg19) VCF-style: chr1-17312529-G-A.
Other names: c.*187C>T (NM_001141973.3); c.3428C>T, p.Pro1143Leu (NM_001141974.3); short protein forms P1143L.
Identifiers: ClinVar variation 5032335 (VCV005032335.1).

ClinVar aggregate classification (germline): Uncertain significance (1 of 4 stars; one submission).

Conditions:
Inborn genetic diseases. Identifiers: MedGen C0950123, MeSH D030342.

gnomAD v4.1: 12 of 1,469,376 alleles (0.00082%); highest among the groups gnomAD compares: Middle Eastern, 0.018%; no homozygotes.

Submission:

Ambry Genetics
Classification: Uncertain significance for Inborn genetic diseases. Last evaluated: 2026-07-10. Review status: criteria provided, single submitter. Criteria: Ambry Variant Classification Scheme 2023. Collection method: clinical testing. Allele origin: germline.
Comment: The c.3428C>T (p.P1143L) alteration is located in exon 27 (coding exon 27) of the ATP13A2 gene. This alteration results from a C to T substitution at nucleotide position 3428, causing the proline (P) at amino acid position 1143 to be replaced by a leucine (L). Based on data from gnomAD, the T allele has an overall frequency of 0.002% (2/123860) total alleles studied. The highest observed frequency was 0.008% (1/13234) of Latino alleles. Based on insufficient or conflicting evidence, the clinical significance of this alteration remains unclear.